The following is an entry in ClinVar:

NM_004211.5(SLC6A5):c.1810G>A (p.Val604Met)

Gene: SLC6A5 (solute carrier family 6 member 5; plus strand). Cytogenetic location: 11p15.1.
Variant type: single nucleotide variant.
Coding change: c.1810G>A on transcript NM_004211.5 (MANE Select); coding-DNA position 1810, G replaced by A.
Protein change: p.Val604Met; replaces valine 604 with methionine.
Molecular consequence: missense variant.
Genome position (GRCh38, 1-based): chr11:20,637,244, G>A. VCF-style: chr11-20637244-G-A. GRCh37 (hg19) VCF-style: chr11-20658790-G-A.
Other names: c.1108G>A, p.Val370Met (NM_001318369.2); short protein forms V370M, V604M.
Identifiers: ClinVar variation 1467656 (VCV001467656.5), dbSNP rs2133809493, ClinGen allele CA379918218.

ClinVar aggregate classification (germline): Uncertain significance (1 of 4 stars; one submission).

Conditions:
Hyperekplexia 3 (HKPX3). Also called: HYPEREKPLEXIA 3, AUTOSOMAL RECESSIVE; HYPEREKPLEXIA 3, AUTOSOMAL DOMINANT. Identifiers: Orphanet 3197, MedGen C3553288, MONDO:0013827, OMIM 614618.

Allele frequency attached by ClinVar (database versions not stated): gnomAD exomes below 0.00001.
gnomAD v4.1: 1 of 1,611,952 alleles (0.000062%); highest among the groups gnomAD compares: Admixed American, 0.0017%; no homozygotes.

Submission:

Labcorp Genetics (formerly Invitae), Labcorp
Classification: Uncertain significance for Hyperekplexia 3. Last evaluated: 2022-07-19. Review status: criteria provided, single submitter. Criteria: Invitae Variant Classification Sherloc (09022015). Collection method: clinical testing. Allele origin: germline.
Comment: This sequence change replaces valine, which is neutral and non-polar, with methionine, which is neutral and non-polar, at codon 604 of the SLC6A5 protein (p.Val604Met). This variant is not present in population databases (gnomAD no frequency). This variant has not been reported in the literature in individuals affected with SLC6A5-related conditions. ClinVar contains an entry for this variant (Variation ID: 1467656). Advanced modeling of protein sequence and biophysical properties (such as structural, functional, and spatial information, amino acid conservation, physicochemical variation, residue mobility, and thermodynamic stability) performed at Invitae indicates that this missense variant is not expected to disrupt SLC6A5 protein function. In summary, the available evidence is currently insufficient to determine the role of this variant in disease. Therefore, it has been classified as a Variant of Uncertain Significance.